The following is an entry in ClinVar:

NM_000027.4(AGA):c.902T>C (p.Phe301Ser)

Gene: AGA (aspartylglucosaminidase; minus strand). Cytogenetic location: 4q34.3.
Variant type: single nucleotide variant.
Coding change: c.902T>C on transcript NM_000027.4 (MANE Select); coding-DNA position 902, T replaced by C.
Protein change: p.Phe301Ser; replaces phenylalanine 301 with serine.
Molecular consequence: missense variant. On other transcripts: non-coding transcript variant (1).
Genome position (GRCh38, 1-based): chr4:177,433,252, A>G on the plus strand (T>C on the coding strand, the complement: AGA is on the minus strand). VCF-style: chr4-177433252-A-G. GRCh37 (hg19) VCF-style: chr4-178354406-A-G.
Other names: p.Phe301Ser; c.872T>C, p.Phe291Ser (NM_001171988.2); short protein forms F301S, F291S.
Identifiers: ClinVar variation 377364 (VCV000377364.25), dbSNP rs35916166, ClinGen allele CA3146762.

ClinVar aggregate classification (germline): Benign/Likely benign. Review status: criteria provided, multiple submitters, no conflicts (2 of 4 stars). 8 submissions from 8 submitters: Benign (2); Likely benign (5). 1 of the submissions does not count toward it. Last evaluated 2026-02-04.

Conditions:
Aspartylglucosaminuria (AGU). Also called: GLYCOASPARAGINASE; GLYCOSYLASPARAGINASE DEFICIENCY; Aspartylglucos-aminuria; Aspartylglucos-amidase (AGA) deficiency; AGA DEFICIENCY. Identifiers: Orphanet 93, MedGen C0268225, MONDO:0008830, OMIM 208400, HP:0012068.

Allele frequency attached by ClinVar (database versions not stated): gnomAD 0.00338 and 0.00360; TOPMed 0.00358; ESP Exome Variant Server 0.00377; 1000 Genomes Project 0.00379; 1000 Genomes Project 30x 0.00406.
gnomAD v4.1: 1,208 of 1,614,130 alleles (0.075%); highest among the groups gnomAD compares: African/African-American, 1.2%; 5 homozygotes.

Submissions (8):

Labcorp Genetics (formerly Invitae), Labcorp
Classification: Benign for Aspartylglucosaminuria. Last evaluated: 2026-02-04. Review status: criteria provided, single submitter. Criteria: Invitae Variant Classification Sherloc (09022015). Collection method: clinical testing. Allele origin: germline.

Mayo Clinic Laboratories, Mayo Clinic
Classification: Benign. Last evaluated: 2025-09-03. Review status: criteria provided, single submitter. Criteria: ACMG Guidelines, 2015. Collection method: clinical testing. Allele origin: germline. Observed: 1 variant allele.
Comment: BS1, BS2

Blueprint Genetics
Classification: Likely benign. Last evaluated: 2024-09-16. Review status: criteria provided, single submitter. Criteria: ACMG Guidelines, 2015. Collection method: clinical testing. Allele origin: germline.

GeneDx
Classification: Likely benign. Last evaluated: 2018-07-15. Review status: criteria provided, single submitter. Criteria: GeneDx Variant Classification Process June 2021. Collection method: clinical testing. Allele origin: germline. Affected: yes.
Comment: See Variant Classification Assertion Criteria.

Illumina Laboratory Services, Illumina
Classification: Likely benign for Aspartylglucosaminuria. Last evaluated: 2018-01-12. Review status: criteria provided, single submitter. Criteria: ICSL Variant Classification Criteria 13 December 2019. Collection method: clinical testing. Allele origin: germline.
Comment: This variant was observed in the ICSL laboratory as part of a predisposition screen in an ostensibly healthy population. It had not been previously curated by ICSL or reported in the Human Gene Mutation Database (HGMD: prior to June 1st, 2018), and was therefore a candidate for classification through an automated scoring system. Utilizing variant allele frequency, disease prevalence and penetrance estimates, and inheritance mode, an automated score was calculated to assess if this variant is too frequent to cause the disease. Based on the score and internal cut-off values, a variant classified as likely benign is not then subjected to further curation. The score for this variant resulted in a classification of likely benign for this disease.

Center for Pediatric Genomic Medicine, Children's Mercy Hospital and Clinics
Classification: Likely benign. Last evaluated: 2017-01-02. Review status: criteria provided, single submitter. Criteria: ACMG Guidelines, 2015. Collection method: clinical testing. Allele origin: germline.
ClinVar note: Converted during submission from Likely Benign to Likely benign.

Breakthrough Genomics
Classification: Likely benign. Review status: criteria provided, single submitter. Criteria: ACMG Guidelines, 2015. Collection method: not provided. Allele origin: germline. Inheritance: Autosomal recessive inheritance. Affected: yes.

Natera, Inc.
Classification: Benign for Aspartylglucosaminuria. Last evaluated: 2019-12-10. Review status: no assertion criteria provided. Collection method: clinical testing. Allele origin: germline. Not counted in ClinVar's aggregate classification.